The following is an entry in ClinVar:

NM_001083116.3(PRF1):c.65del (p.Pro22fs)

Gene: PRF1 (perforin 1; minus strand). Cytogenetic location: 10q22.1.
Variant type: Deletion.
Coding change: c.65del on transcript NM_001083116.3 (MANE Select); coding-DNA position 65, one base deleted (C; older notation c.65delC).
Protein change: p.Pro22fs; shifts the reading frame from proline 22.
Molecular consequence: frameshift variant.
Genome position (GRCh38, 1-based): chr10:70,600,838, G deleted on the plus strand (C on the coding strand, the reverse complement: PRF1 is on the minus strand); the first of 4 consecutive G bases (chr10:70,600,838-70,600,841); deleting any one gives the same sequence. VCF-style (leftmost placement, unchanged base first): chr10-70600837-CG-C. GRCh37 (hg19) VCF-style: chr10-72360593-CG-C.
Other names: c.62delC, p.Pro22Argfs (NM_001083116.1); c.65del, p.Pro22fs (NM_005041.6); short protein forms P22fs.
Identifiers: ClinVar variation 2442794 (VCV002442794.8), dbSNP rs761651233, ClinGen allele CA5539138.
Genomic context (GRCh38, chr10:70,600,837, plus strand): 5'-CCATGCACCAGGCACGAACTTGTGGCTGCGCTTGCACTCTGAGCGTGCGGCTGTGTGGCA[CG>C]GGGCAGGGACGGGCAGGGGCAGCAGCAGGAGAAGGATGCCCAGGAGGAGCAGACGGGCTG-3'

ClinVar aggregate classification (germline): Pathogenic. Review status: criteria provided, multiple submitters, no conflicts (2 of 4 stars). 5 submissions from 5 submitters: Pathogenic (5). Last evaluated 2025-07-14.

Conditions:
Aplastic anemia. Identifiers: Orphanet 182040, Orphanet 88, MedGen C0002874, MONDO:0015909, OMIM 609135, HP:0001915.
Familial hemophagocytic lymphohistiocytosis 2 (FHL2). Also called: PRF1-Related Familial Hemophagocytic Lymphohistiocytosis (PRF1-fHLH). Identifiers: Orphanet 540, MedGen C1863727, MONDO:0011337, OMIM 603553.
Lymphoma, non-Hodgkin, familial. Identifiers: MedGen C4721532, MONDO:0011508, OMIM 605027.

Submissions (5):

Labcorp Genetics (formerly Invitae), Labcorp
Classification: Pathogenic for Familial hemophagocytic lymphohistiocytosis 2. Last evaluated: 2025-07-14. Review status: criteria provided, single submitter. Criteria: Invitae Variant Classification Sherloc (09022015). Collection method: clinical testing. Allele origin: germline.
Comment: This sequence change creates a premature translational stop signal (p.Pro22Argfs*29) in the PRF1 gene. It is expected to result in an absent or disrupted protein product. Loss-of-function variants in PRF1 are known to be pathogenic (PMID: 1156555, 16860143). This variant is present in population databases (rs761651233, gnomAD 0.02%). This premature translational stop signal has been observed in individual(s) with PRF1-related conditions (PMID: 23180437). ClinVar contains an entry for this variant (Variation ID: 2442794). For these reasons, this variant has been classified as Pathogenic.

Myriad Genetics, Inc.
Classification: Pathogenic for Familial hemophagocytic lymphohistiocytosis 2. Last evaluated: 2025-04-10. Review status: criteria provided, single submitter. Criteria: Myriad Autosomal Dominant, Autosomal Recessive and X-Linked Classification Criteria (2023). Collection method: clinical testing. Allele origin: unknown.
Comment: NM_001083116.1(PRF1):c.65delC(P22Rfs*29) is a frameshift variant classified as pathogenic in the context of familial hemophagocytic lymphohistiocytosis, PRF1-related. P22Rfs*29 has been observed in cases with relevant disease (PMID: 25104007, 25233452). Relevant functional assessments of this variant are not available in the literature. P22Rfs*29 has been observed in referenced population frequency databases. In summary, NM_001083116.1(PRF1):c.65delC(P22Rfs*29) is a frameshift variant in a gene where loss of function is a known mechanism of disease, is predicted to disrupt protein function, and has been observed more frequently in cases with the relevant disease than in healthy populations. Please note: this variant was assessed in the context of healthy population screening.

Baylor Genetics
Classification: Pathogenic for Aplastic anemia. Last evaluated: 2023-07-01. Review status: criteria provided, single submitter. Criteria: ACMG Guidelines, 2015. Collection method: clinical testing. Allele origin: unknown.

Diagnostic Genetics, Severance Hospital, Yonsei University College of Medicine
Classification: Pathogenic for Familial hemophagocytic lymphohistiocytosis 2. Last evaluated: 2023-01-03. Review status: criteria provided, single submitter. Criteria: ACMG Guidelines, 2015. Collection method: clinical testing. Allele origin: germline. Affected: yes.

Juno Genomics, Hangzhou Juno Genomics, Inc
Classification: Pathogenic for Aplastic anemia; Familial hemophagocytic lymphohistiocytosis 2; Lymphoma, non-Hodgkin, familial. Review status: criteria provided, single submitter. Criteria: ACMG Guidelines, 2015. Collection method: clinical testing. Allele origin: germline.
Comment: Absent from controls (or at extremely low frequency if recessive) in Genome Aggregation Database.;Null variant in a gene where loss of function (LOF) is a known mechanism of disease.;For recessive disorders, detected in trans with a pathogenic variant.

Literature cited by the submitters: PubMed 1156555 (cited by Labcorp Genetics (formerly Invitae), Labcorp); PubMed 16860143 (cited by Labcorp Genetics (formerly Invitae), Labcorp); PubMed 23180437 (cited by Labcorp Genetics (formerly Invitae), Labcorp); PubMed 25104007 (cited by Myriad Genetics, Inc.); PubMed 25233452 (cited by Myriad Genetics, Inc.).